The following is an entry in ClinVar:

NM_001035.3(RYR2):c.2225G>C (p.Ser742Thr)

Gene: RYR2 (ryanodine receptor 2; plus strand). Cytogenetic location: 1q43.
Variant type: single nucleotide variant.
Coding change: c.2225G>C on transcript NM_001035.3 (MANE Select); coding-DNA position 2225, G replaced by C.
Protein change: p.Ser742Thr; replaces serine 742 with threonine.
Molecular consequence: missense variant.
Genome position (GRCh38, 1-based): chr1:237,500,732, G>C. VCF-style: chr1-237500732-G-C. GRCh37 (hg19) VCF-style: chr1-237664032-G-C.
Other names: short protein forms S742T.
Identifiers: ClinVar variation 1787988 (VCV001787988.2), dbSNP rs1483111947, ClinGen allele CA345393040.

ClinVar aggregate classification (germline): Uncertain significance (1 of 4 stars; one submission).

Conditions:
Cardiovascular phenotype. Identifiers: MedGen CN230736.

Submission:

Ambry Genetics
Classification: Uncertain significance for Cardiovascular phenotype. Last evaluated: 2021-10-06. Review status: criteria provided, single submitter. Criteria: Ambry Variant Classification Scheme 2023. Collection method: clinical testing. Allele origin: germline.
Comment: The p.S742T variant (also known as c.2225G>C), located in coding exon 21 of the RYR2 gene, results from a G to C substitution at nucleotide position 2225. The serine at codon 742 is replaced by threonine, an amino acid with similar properties. This amino acid position is well conserved in available vertebrate species. In addition, this alteration is predicted to be tolerated by in silico analysis. Since supporting evidence is limited at this time, the clinical significance of this alteration remains unclear.